The following is an entry in ClinVar:

ClinVar aggregate classification (germline): Uncertain significance. Review status: criteria provided, multiple submitters, no conflicts (2 of 4 stars). 2 submissions from 2 submitters: Uncertain significance (2). Last evaluated 2022-04-25.

Allele frequency attached by ClinVar (database versions not stated): gnomAD exomes 0.00001; ExAC 0.00002; TOPMed 0.00002.

Submissions (2):

Ambry Genetics
Classification: Uncertain significance. Last evaluated: 2022-04-25. Review status: criteria provided, single submitter. Criteria: Ambry Variant Classification Scheme 2023. Collection method: clinical testing. Allele origin: germline.

Labcorp Genetics (formerly Invitae), Labcorp
Classification: Uncertain significance. Last evaluated: 2021-10-11. Review status: criteria provided, single submitter. Criteria: Invitae Variant Classification Sherloc (09022015). Collection method: clinical testing. Allele origin: germline.
Comment: This sequence change replaces aspartic acid with histidine at codon 2372 of the CEP250 protein (p.Asp2372His). The aspartic acid residue is moderately conserved and there is a moderate physicochemical difference between aspartic acid and histidine. This variant is present in population databases (rs751405481, ExAC 0.02%). This variant has not been reported in the literature in individuals affected with CEP250-related conditions. Algorithms developed to predict the effect of missense changes on protein structure and function are either unavailable or do not agree on the potential impact of this missense change (SIFT: "Not Available"; PolyPhen-2: "Probably Damaging"; Align-GVGD: "Not Available"). In summary, the available evidence is currently insufficient to determine the role of this variant in disease. Therefore, it has been classified as a Variant of Uncertain Significance.

NM_007186.6(CEP250):c.7114G>C (p.Asp2372His)

Gene: CEP250 (centrosomal protein 250; plus strand). Cytogenetic location: 20q11.22.
Variant type: single nucleotide variant.
Coding change: c.7114G>C on transcript NM_007186.6 (MANE Select); coding-DNA position 7114, G replaced by C.
Protein change: p.Asp2372His; replaces aspartic acid 2372 with histidine.
Molecular consequence: missense variant.
Genome position (GRCh38, 1-based): chr20:35,511,411, G>C. VCF-style: chr20-35511411-G-C. GRCh37 (hg19) VCF-style: chr20-34099240-G-C.
Other names: c.5218G>C, p.Asp1740His (NM_001318219.1); short protein forms D2372H, D1740H.
Identifiers: ClinVar variation 1911636 (VCV001911636.3), dbSNP rs751405481, ClinGen allele CA9834252.